The following is an entry in ClinVar:

NC_012920.1(MT-CYB):m.15833C>T

Gene: MT-CYB (mitochondrially encoded cytochrome b; plus strand).
Variant type: single nucleotide variant.
Genome position: chrM-15833-C-T.
Identifiers: ClinVar variation 235581 (VCV000235581.4), dbSNP rs41504845, ClinGen allele CA10581367.
Genomic context (GRCh38, chrMT:15,833, plus strand): 5'-GTAAGCTACCCTTTTACCATCATTGGACAAGTAGCATCCGTACTATACTTCACAACAATC[C>T]TAATCCTAATACCAACTATCTCCCTAATTGAAAACAAAATACTCAAATGGGCCTGTCCTT-3'

ClinVar aggregate classification (germline): Likely benign. Review status: criteria provided, multiple submitters, no conflicts (2 of 4 stars). 2 submissions from 2 submitters: Likely benign (2). Last evaluated 2025-02-16.

Submissions (2):

Laboratory of Genetics, Children's Clinical University Hospital Latvia
Classification: Likely benign. Last evaluated: 2025-02-16. Review status: criteria provided, single submitter. Criteria: ACMG Guidelines, 2015. Collection method: clinical testing. Allele origin: germline. Affected: yes.

Center for Pediatric Genomic Medicine, Children's Mercy Hospital and Clinics
Classification: Likely benign. Last evaluated: 2015-05-26. Review status: criteria provided, single submitter. Criteria: ACMG Guidelines, 2015. Collection method: clinical testing. Allele origin: germline.
ClinVar note: Converted during submission from Likely Benign to Likely benign.